The following is an entry in ClinVar:

ClinVar aggregate classification (germline): Uncertain significance (1 of 4 stars; one submission).

Conditions:
Cardiovascular phenotype. Identifiers: MedGen CN230736.

Allele frequency attached by ClinVar (database versions not stated): gnomAD exomes below 0.00001; TOPMed below 0.00001.

Submission:

Ambry Genetics
Classification: Uncertain significance for Cardiovascular phenotype. Last evaluated: 2023-09-11. Review status: criteria provided, single submitter. Criteria: Ambry Variant Classification Scheme 2023. Collection method: clinical testing. Allele origin: germline.
Comment: The c.1821delC variant, located in coding exon 34 of the TRDN gene, results from a deletion of one nucleotide at nucleotide position 1821, causing a translational frameshift with a predicted alternate stop codon (p.T608Qfs*21). This alteration is expected to result in loss of function by premature protein truncation or nonsense-mediated mRNA decay. However, this alteration does not impact the predominant cardiac isoform of TRDN (NM_001256021.1; Kobayashi YM et al. J. Biol. Chem., 1999 Oct;274:28660-8). Since supporting evidence is limited at this time, the clinical significance of this alteration remains unclear.

NM_006073.4(TRDN):c.1821del (p.Thr608fs)

Gene: TRDN (triadin; minus strand). Cytogenetic location: 6q22.31.
Variant type: Deletion.
Coding change: c.1821del on transcript NM_006073.4 (MANE Select); coding-DNA position 1821, one base deleted (C; older notation c.1821delC).
Protein change: p.Thr608fs; shifts the reading frame from threonine 608.
Molecular consequence: frameshift variant.
Genome position (GRCh38, 1-based): chr6:123,260,622, G deleted on the plus strand (C on the coding strand, the reverse complement: TRDN is on the minus strand). VCF-style (leftmost placement, unchanged base first): chr6-123260621-TG-T. GRCh37 (hg19) VCF-style: chr6-123581766-TG-T.
Other names: short protein forms T608fs.
Identifiers: ClinVar variation 2625269 (VCV002625269.2), dbSNP rs1217358790, ClinGen allele CA818300955.